The following is an entry in ClinVar:

ClinVar aggregate classification (germline): Pathogenic. Review status: criteria provided, multiple submitters, no conflicts (2 of 4 stars). 5 submissions from 5 submitters: Pathogenic (5). Last evaluated 2025-11-23.

Conditions:
L1CAM-related disorder. Also called: L1CAM-related condition.
Spastic paraplegia. Identifiers: MedGen C0037772, HP:0001258.
X-linked hydrocephalus syndrome (HYCX). Also called: AQUEDUCTAL STENOSIS, X-LINKED; X-linked hydrocephalus; X-Linked Hydrocephalus with Stenosis of the Aqueduct of Sylvius; HYDROCEPHALUS, CONGENITAL, X-LINKED; X-Linked Hydrocephalus with Stenosis of the Aqueduct of Sylvius (HSAS). Identifiers: Orphanet 2182, MedGen C0265216, MONDO:0010611, OMIM 307000.

Submissions (5):

PreventionGenetics, part of Exact Sciences
Classification: Pathogenic for L1CAM-related condition. Last evaluated: 2025-11-23. Review status: criteria provided, single submitter. Criteria: ACMG Guidelines, 2015. Collection method: clinical testing. Allele origin: germline.
Comment: The L1CAM c.1453C>T variant is predicted to result in premature protein termination (p.Arg485*). Nonsense variants in L1CAM are expected to be pathogenic, and other early termination changes have been documented as causative both up and downstream. This variant is interpreted as pathogenic.

Labcorp Genetics (formerly Invitae), Labcorp
Classification: Pathogenic for Spastic paraplegia. Last evaluated: 2021-08-06. Review status: criteria provided, single submitter. Criteria: Invitae Variant Classification Sherloc (09022015). Collection method: clinical testing. Allele origin: germline.
Comment: This sequence change creates a premature translational stop signal (p.Arg485*) in the L1CAM gene. It is expected to result in an absent or disrupted protein product. Loss-of-function variants in L1CAM are known to be pathogenic (PMID: 19846429). This variant is not present in population databases (ExAC no frequency). This premature translational stop signal has been observed in individual(s) with clinical features of L1CAM-related conditions (PMID: 7920659, 23820807). ClinVar contains an entry for this variant (Variation ID: 265223). For these reasons, this variant has been classified as Pathogenic.

Genetics Institute, Tel Aviv Sourasky Medical Center
Classification: Pathogenic for X-linked hydrocephalus syndrome. Last evaluated: 2021-05-12. Review status: criteria provided, single submitter. Criteria: ACMG Guidelines, 2015. Collection method: clinical testing. Allele origin: inherited. Inheritance: X-linked inheritance.

GeneDx
Classification: Pathogenic. Last evaluated: 2018-01-24. Review status: criteria provided, single submitter. Criteria: GeneDx Variant Classification (06012015). Collection method: clinical testing. Allele origin: germline. Affected: yes.
Comment: The R485X nonsense variant in the L1CAM gene has been reported previously in association with X-linked hydrocephalus (Jouet et al., 1994; Adle-Biassette et al., 2013). R485X is not observed in large population cohorts (Lek et al., 2016). This variant is predicted to cause loss of normal protein function either through protein truncation or nonsense-mediated mRNA decay. We interpret this as a pathogenic variant.

Juno Genomics, Hangzhou Juno Genomics, Inc
Classification: Pathogenic for X-linked hydrocephalus syndrome. Review status: criteria provided, single submitter. Criteria: ACMG Guidelines, 2015. Collection method: clinical testing. Allele origin: germline.
Comment: Null variant in a gene where loss of function (LOF) is a known mechanism of disease.;Absent from controls (or at extremely low frequency if recessive) in Genome Aggregation Database.;The prevalence of the variant in affected individuals is significantly increased compared to the prevalence in controls.

Literature cited by the submitters: PubMed 19846429 (cited by Labcorp Genetics (formerly Invitae), Labcorp); PubMed 7920659 (cited by Labcorp Genetics (formerly Invitae), Labcorp); PubMed 23820807 (cited by Labcorp Genetics (formerly Invitae), Labcorp).

NM_001278116.2(L1CAM):c.1453C>T (p.Arg485Ter)

Gene: L1CAM (L1 cell adhesion molecule; minus strand). Cytogenetic location: Xq28.
Variant type: single nucleotide variant.
Coding change: c.1453C>T on transcript NM_001278116.2 (MANE Select); coding-DNA position 1453, C replaced by T.
Protein change: p.Arg485Ter; replaces arginine 485 with a stop codon.
Molecular consequence: nonsense.
Genome position (GRCh38, 1-based): chrX:153,868,654, G>A on the plus strand (C>T on the coding strand, the complement: L1CAM is on the minus strand). VCF-style: chrX-153868654-G-A. GRCh37 (hg19) VCF-style: chrX-153134109-G-A.
Other names: c.1453C>T (NM_000425.4); c.1453C>T, p.Arg485Ter (NM_000425.5, NM_024003.3); c.1438C>T, p.Arg480Ter (NM_001143963.2); short protein forms R485*, R480*.
Identifiers: ClinVar variation 265223 (VCV000265223.11), dbSNP rs886039407, ClinGen allele CA10588749.